The following is an entry in ClinVar:

ClinVar aggregate classification (germline): Likely benign (1 of 4 stars; one submission).

Submission:

CeGaT Center for Human Genetics Tuebingen
Classification: Likely benign. Last evaluated: 2026-09-01. Review status: criteria provided, single submitter. Criteria: CeGaT Center For Human Genetics Tuebingen Variant Classification Criteria Version 2. Collection method: clinical testing. Allele origin: germline. Affected: yes. Observed: 1 variant allele.
Comment: CABCOCO1: PM2:Supporting, BP4, BP7

NM_001366906.2(CABCOCO1):c.57G>A (p.Ser19=)

Gene: CABCOCO1 (ciliary associated calcium binding coiled-coil 1; plus strand). Cytogenetic location: 10q21.2.
Variant type: single nucleotide variant.
Coding change: c.57G>A on transcript NM_001366906.2 (MANE Select); coding-DNA position 57, G replaced by A.
Protein change: p.Ser19=; no amino-acid change (serine 19 retained).
Molecular consequence: synonymous variant. On other transcripts: 5 prime UTR variant (4).
Genome position (GRCh38, 1-based): chr10:61,663,029, G>A. VCF-style: chr10-61663029-G-A. GRCh37 (hg19) VCF-style: chr10-63422787-G-A.
Other names: c.-104G>A (NM_001366905.2); c.57G>A, p.Ser19= (NM_001366907.1); c.-215G>A (NM_001366908.2); c.-237G>A (NM_001366909.1, NM_173554.3).
Identifiers: ClinVar variation 5039791 (VCV005039791.1).